The following is an entry in ClinVar:

NM_025137.4(SPG11):c.1176G>T (p.Met392Ile)

Gene: SPG11 (SPG11 vesicle trafficking associated, spatacsin; minus strand). Cytogenetic location: 15q21.1.
Variant type: single nucleotide variant.
Coding change: c.1176G>T on transcript NM_025137.4 (MANE Select); coding-DNA position 1176, G replaced by T.
Protein change: p.Met392Ile; replaces methionine 392 with isoleucine.
Molecular consequence: missense variant.
Genome position (GRCh38, 1-based): chr15:44,651,771, C>A on the plus strand (G>T on the coding strand, the complement: SPG11 is on the minus strand). VCF-style: chr15-44651771-C-A. GRCh37 (hg19) VCF-style: chr15-44943969-C-A.
Other names: c.1176G>T, p.Met392Ile (NM_001160227.2, NM_001411132.1); short protein forms M392I.
Identifiers: ClinVar variation 1740886 (VCV001740886.2), dbSNP rs1333564769, ClinGen allele CA392236421.

ClinVar aggregate classification (germline): Uncertain significance (1 of 4 stars; one submission).

Conditions:
Inborn genetic diseases. Identifiers: MedGen C0950123, MeSH D030342.

Allele frequency attached by ClinVar (database versions not stated): gnomAD exomes below 0.00001; TOPMed below 0.00001.

Submission:

Ambry Genetics
Classification: Uncertain significance for Inborn genetic diseases. Last evaluated: 2019-12-13. Review status: criteria provided, single submitter. Criteria: Ambry Variant Classification Scheme 2023. Collection method: clinical testing. Allele origin: germline.
Comment: The p.M392I variant (also known as c.1176G>T), located in coding exon 6 of the SPG11 gene, results from a G to T substitution at nucleotide position 1176. The methionine at codon 392 is replaced by isoleucine, an amino acid with highly similar properties. This amino acid position is poorly conserved in available vertebrate species. In addition, this alteration is predicted to be tolerated by in silico analysis. Since supporting evidence is limited at this time, the clinical significance of this alteration remains unclear.